The following is an entry in ClinVar:

NM_033409.4(SLC52A3):c.1000T>C (p.Tyr334His)

Gene: SLC52A3 (solute carrier family 52 member 3; minus strand). Cytogenetic location: 20p13.
Variant type: single nucleotide variant.
Coding change: c.1000T>C on transcript NM_033409.4 (MANE Select); coding-DNA position 1000, T replaced by C.
Protein change: p.Tyr334His; replaces tyrosine 334 with histidine.
Molecular consequence: missense variant.
Genome position (GRCh38, 1-based): chr20:763,571, A>G on the plus strand (T>C on the coding strand, the complement: SLC52A3 is on the minus strand). VCF-style: chr20-763571-A-G. GRCh37 (hg19) VCF-style: chr20-744215-A-G.
Other names: c.1000T>C, p.Tyr334His (NM_001370085.1, NM_001370086.1); short protein forms Y334H.
Identifiers: ClinVar variation 1024926 (VCV001024926.6), dbSNP rs1986560425, ClinGen allele CA407962663.
Genomic context (GRCh38, chr20:763,571, plus strand): 5'-ACATGGAGACCAACGAGGCAAGAGGGTTGGCCACAATGCTGAGGGTGGCAGCCAGGTGGT[A>G]GGCAACTGGCCCATAGGACAGGCAGGAGTAGGTCTGCACAGAGGGCAGCATGCCGTTGGT-3'
Protein context (NP_212134.3, residues 324-344): YSCLSYGPVA[Tyr334His]HLAATLSIVA

ClinVar aggregate classification (germline): Uncertain significance (1 of 4 stars; one submission).

Conditions:
Brown-Vialetto-van Laere syndrome 1. Also called: BROWN-VIALETTO-VAN LAERE SYNDROME 1, MILD; BULBAR PALSY, PROGRESSIVE, WITH SENSORINEURAL DEAFNESS; PONTOBULBAR PALSY WITH DEAFNESS. Identifiers: Orphanet 572550, Orphanet 97229, MedGen C0796274, MONDO:0024537, OMIM 211530.

Submission:

Labcorp Genetics (formerly Invitae), Labcorp
Classification: Uncertain significance for Brown-Vialetto-van Laere syndrome 1. Last evaluated: 2021-08-30. Review status: criteria provided, single submitter. Criteria: Invitae Variant Classification Sherloc (09022015). Collection method: clinical testing. Allele origin: germline.
Comment: This sequence change replaces tyrosine with histidine at codon 334 of the SLC52A3 protein (p.Tyr334His). The tyrosine residue is highly conserved and there is a moderate physicochemical difference between tyrosine and histidine. This variant is not present in population databases (ExAC no frequency). This variant has not been reported in the literature in individuals affected with SLC52A3-related conditions. Algorithms developed to predict the effect of missense changes on protein structure and function (SIFT, PolyPhen-2, Align-GVGD) all suggest that this variant is likely to be disruptive. In summary, the available evidence is currently insufficient to determine the role of this variant in disease. Therefore, it has been classified as a Variant of Uncertain Significance.